The following is an entry in ClinVar:

ClinVar aggregate classification (germline): Conflicting classifications of pathogenicity. Review status: criteria provided, conflicting classifications (1 of 4 stars). 7 submissions from 7 submitters: Uncertain significance (2); Likely benign (3). 2 of the submissions do not count toward it. Last evaluated 2025-11-25.

Conditions:
MYH14-related disorder. Also called: MYH14-related condition.
Autosomal dominant nonsyndromic hearing loss 4A. Also called: Deafness, autosomal dominant 4A. Identifiers: Orphanet 90635, MedGen C1833503, MONDO:0010915, OMIM 600652.
Peripheral neuropathy-myopathy-hoarseness-hearing loss syndrome. Identifiers: Orphanet 397744, MedGen C3280556, MONDO:0013711, OMIM 614369.

Allele frequency attached by ClinVar (database versions not stated): ExAC 0.00025; gnomAD exomes 0.00030 and 0.00072; gnomAD 0.00037 and 0.00038; TOPMed 0.00039; 1000 Genomes Project 0.00040; 1000 Genomes Project 30x 0.00047; ESP Exome Variant Server 0.00081.
gnomAD v4.1: 1,104 of 1,593,158 alleles (0.069%); highest among the groups gnomAD compares: Non-Finnish European, 0.089%; 1 homozygote.

Submissions (7):

Labcorp Genetics (formerly Invitae), Labcorp
Classification: Likely benign. Last evaluated: 2025-11-25. Review status: criteria provided, single submitter. Criteria: Invitae Variant Classification Sherloc (09022015). Collection method: clinical testing. Allele origin: germline.

Mayo Clinic Laboratories, Mayo Clinic
Classification: Likely benign. Last evaluated: 2025-10-21. Review status: criteria provided, single submitter. Criteria: ACMG Guidelines, 2015. Collection method: clinical testing. Allele origin: germline. Observed: 1 variant allele.
Comment: BS2

CeGaT Center for Human Genetics Tuebingen
Classification: Likely benign. Last evaluated: 2023-10-01. Review status: criteria provided, single submitter. Criteria: CeGaT Center For Human Genetics Tuebingen Variant Classification Criteria Version 2. Collection method: clinical testing. Allele origin: germline. Affected: yes. Observed: 1 variant allele.
Comment: MYH14: BS2

GeneDx
Classification: Uncertain significance. Last evaluated: 2021-08-03. Review status: criteria provided, single submitter. Criteria: GeneDx Variant Classification Process June 2021. Collection method: clinical testing. Allele origin: germline. Affected: yes.
Comment: Has not been previously published as pathogenic or benign to our knowledge; In silico analysis supports that this missense variant has a deleterious effect on protein structure/function

Illumina Laboratory Services, Illumina
Classification: Uncertain significance for Autosomal dominant nonsyndromic hearing loss 4A. Last evaluated: 2018-01-12. Review status: criteria provided, single submitter. Criteria: ICSL Variant Classification Criteria 13 December 2019. Collection method: clinical testing. Allele origin: germline.

PreventionGenetics, part of Exact Sciences
Classification: Likely benign for MYH14-related condition. Last evaluated: 2023-01-17. Review status: no assertion criteria provided. Collection method: clinical testing. Allele origin: germline. Not counted in ClinVar's aggregate classification.
Comment: This variant is classified as likely benign based on ACMG/AMP sequence variant interpretation guidelines (Richards et al. 2015 PMID: 25741868, with internal and published modifications).

Division of Human Genetics, Children's Hospital of Philadelphia
Classification: Uncertain significance for Peripheral neuropathy-myopathy-hoarseness-hearing loss syndrome; Autosomal dominant nonsyndromic hearing loss 4A. Last evaluated: 2015-11-13. Review status: no assertion criteria provided. Collection method: research. Allele origin: germline. Affected: yes. Study: CSER-PediSeq. Not counted in ClinVar's aggregate classification.

NM_001145809.2(MYH14):c.3850C>T (p.Arg1284Trp)

Gene: MYH14 (myosin heavy chain 14; plus strand). Cytogenetic location: 19q13.33.
Variant type: single nucleotide variant.
Coding change: c.3850C>T on transcript NM_001145809.2 (MANE Select); coding-DNA position 3850, C replaced by T.
Protein change: p.Arg1284Trp; replaces arginine 1284 with tryptophan.
Molecular consequence: missense variant.
Genome position (GRCh38, 1-based): chr19:50,278,107, C>T. VCF-style: chr19-50278107-C-T. GRCh37 (hg19) VCF-style: chr19-50781364-C-T.
Other names: p.Arg1243Trp; c.3751C>T, p.Arg1251Trp (NM_001077186.2); c.3727C>T, p.Arg1243Trp (NM_024729.4); c.3850C>T (NM_001145809.1); short protein forms R1243W, R1284W, R1251W.
Identifiers: ClinVar variation 329934 (VCV000329934.39), dbSNP rs201515738, ClinGen allele CA9593351.